The following is an entry in ClinVar:

ClinVar aggregate classification (germline): Pathogenic (1 of 4 stars; one submission).

Conditions:
Charcot-Marie-Tooth disease axonal type 2V. Also called: CHARCOT-MARIE-TOOTH NEUROPATHY, TYPE 2V; CHARCOT-MARIE-TOOTH DISEASE, AXONAL, AUTOSOMAL DOMINANT, TYPE 2V. Identifiers: Orphanet 447964, MedGen C5569050, MONDO:0014665, OMIM 616491.
Mucopolysaccharidosis, MPS-III-B (MPS3B). Also called: N-ACETYL-ALPHA-D-GLUCOSAMINIDASE DEFICIENCY; NAGLU DEFICIENCY; SANFILIPPO SYNDROME B; MPS III B; Mucopolysaccharidosis type IIIB (Sanfilippo B); MUCOPOLYSACCHARIDOSIS, TYPE IIIB. Identifiers: Orphanet 79270, MedGen C0086648, MONDO:0009656, OMIM 252920.

Submission:

Labcorp Genetics (formerly Invitae), Labcorp
Classification: Pathogenic for Charcot-Marie-Tooth disease axonal type 2V; Mucopolysaccharidosis, MPS-III-B. Last evaluated: 2022-12-25. Review status: criteria provided, single submitter. Criteria: Invitae Variant Classification Sherloc (09022015). Collection method: clinical testing. Allele origin: germline.
Comment: This sequence change creates a premature translational stop signal (p.Arg393Alafs*28) in the NAGLU gene. While this is not anticipated to result in nonsense mediated decay, it is expected to disrupt the last 351 amino acid(s) of the NAGLU protein. This variant is not present in population databases (gnomAD no frequency). For these reasons, this variant has been classified as Pathogenic. This variant disrupts a region of the NAGLU protein in which other variant(s) (p.Val724Glyfs*32) have been determined to be pathogenic (PMID: 10094189; Invitae). This suggests that this is a clinically significant region of the protein, and that variants that disrupt it are likely to be disease-causing. This variant has not been reported in the literature in individuals affected with NAGLU-related conditions.

Literature cited by the submitters: PubMed 10094189.

NM_000263.4(NAGLU):c.1177del (p.Arg393fs)

Gene: NAGLU (N-acetyl-alpha-glucosaminidase; plus strand). Cytogenetic location: 17q21.2.
Variant type: Deletion.
Coding change: c.1177del on transcript NM_000263.4 (MANE Select); coding-DNA position 1177, one base deleted (C; older notation c.1177delC).
Protein change: p.Arg393fs; shifts the reading frame from arginine 393.
Molecular consequence: frameshift variant.
Genome position (GRCh38, 1-based): chr17:42,543,183, C deleted; the last of 3 consecutive C bases (chr17:42,543,181-42,543,183); deleting any one gives the same sequence. VCF-style (leftmost placement, unchanged base first): chr17-42543180-AC-A. GRCh37 (hg19) VCF-style: chr17-40695198-AC-A.
Other names: short protein forms R393fs.
Identifiers: ClinVar variation 2942497 (VCV002942497.3), dbSNP rs2510659075, ClinGen allele CA2576276090.